The following is an entry in ClinVar:

NM_001289808.2(CRYAB):c.119C>A (p.Thr40Lys)

Gene: CRYAB (crystallin alpha B; minus strand). Cytogenetic location: 11q23.1.
Variant type: single nucleotide variant.
Coding change: c.119C>A on transcript NM_001289808.2 (MANE Select); coding-DNA position 119, C replaced by A.
Protein change: p.Thr40Lys; replaces threonine 40 with lysine.
Molecular consequence: missense variant.
Genome position (GRCh38, 1-based): chr11:111,911,606, G>T on the plus strand (C>A on the coding strand, the complement: CRYAB is on the minus strand). VCF-style: chr11-111911606-G-T. GRCh37 (hg19) VCF-style: chr11-111782330-G-T.
Other names: c.119C>A, p.Thr40Lys (NM_001289807.1, NM_001368245.1, NM_001885.3); short protein forms T40K.
Identifiers: ClinVar variation 4007141 (VCV004007141.1).

ClinVar aggregate classification (germline): Uncertain significance (1 of 4 stars; one submission).

Conditions:
Cardiovascular phenotype. Identifiers: MedGen CN230736.

Submission:

Ambry Genetics
Classification: Uncertain significance for Cardiovascular phenotype. Last evaluated: 2025-05-24. Review status: criteria provided, single submitter. Criteria: Ambry Variant Classification Scheme 2023. Collection method: clinical testing. Allele origin: germline.
Comment: The p.T40K variant (also known as c.119C>A), located in coding exon 1 of the CRYAB gene, results from a C to A substitution at nucleotide position 119. The threonine at codon 40 is replaced by lysine, an amino acid with similar properties. This amino acid position is conserved. In addition, this alteration is predicted to be tolerated by in silico analysis. Based on the available evidence, the clinical significance of this variant remains unclear.